The following is an entry in ClinVar:

ClinVar aggregate classification (germline): Likely pathogenic (1 of 4 stars; one submission).

Conditions:
Long QT syndrome (LQTS). Identifiers: MedGen C0023976, MeSH D008133, MONDO:0002442. Disease mechanism: loss of function. Inheritance: Various modes of inheritance.

Allele frequency attached by ClinVar (database versions not stated): gnomAD exomes below 0.00001; TOPMed below 0.00001.
gnomAD v4.1: 1 of 1,613,586 alleles (0.000062%); highest among the groups gnomAD compares: African/African-American, 0.0013%; no homozygotes.

Submission:

Labcorp Genetics (formerly Invitae), Labcorp
Classification: Likely pathogenic for Long QT syndrome. Last evaluated: 2023-06-23. Review status: criteria provided, single submitter. Criteria: Invitae Variant Classification Sherloc (09022015). Collection method: clinical testing. Allele origin: germline.
Comment: This sequence change affects a donor splice site in intron 44 of the ANK2 gene. It is expected to disrupt RNA splicing. Variants that disrupt the donor or acceptor splice site typically lead to a loss of protein function (PMID: 16199547), and loss-of-function variants in ANK2 are known to be pathogenic (PMID: 37195288). This variant is not present in population databases (gnomAD no frequency). This variant has not been reported in the literature in individuals affected with ANK2-related conditions. Algorithms developed to predict the effect of sequence changes on RNA splicing suggest that this variant may disrupt the consensus splice site. In summary, the currently available evidence indicates that the variant is pathogenic, but additional data are needed to prove that conclusively. Therefore, this variant has been classified as Likely Pathogenic.

Literature cited by the submitters: PubMed 16199547; PubMed 37195288.

NM_001148.6(ANK2):c.11694+1G>T

Gene: ANK2 (ankyrin 2; plus strand). Cytogenetic location: 4q26.
Variant type: single nucleotide variant.
Coding change: c.11694+1G>T on transcript NM_001148.6 (MANE Select); the canonical splice donor site of the intron after coding-DNA position 11694, G replaced by T.
Molecular consequence: splice donor variant. On other transcripts: intron variant (1).
Genome position (GRCh38, 1-based): chr4:113,373,174, G>T. VCF-style: chr4-113373174-G-T. GRCh37 (hg19) VCF-style: chr4-114294330-G-T.
Other names: c.5283+1G>T (NM_001386160.1); c.5388+1G>T (NM_001354254.2); c.5502+1G>T (NM_001354239.2); c.5409+1G>T (NM_001354252.2); c.5310+1G>T (NM_001354272.2); c.5466+1G>T (NM_001354244.2); c.5373+1G>T (NM_001354256.2, NM_001386161.1); c.5412+1G>T (NM_001127493.3); and 44 more.
Identifiers: ClinVar variation 3023363 (VCV003023363.3), dbSNP rs1398611672, ClinGen allele CA357943502.